The following is an entry in ClinVar:

NM_001384140.1(PCDH15):c.932G>A (p.Arg311Gln)

Gene: PCDH15 (protocadherin related 15; minus strand). Cytogenetic location: 10q21.1.
Variant type: single nucleotide variant.
Coding change: c.932G>A on transcript NM_001384140.1 (MANE Select); coding-DNA position 932, G replaced by A.
Protein change: p.Arg311Gln; replaces arginine 311 with glutamine.
Molecular consequence: missense variant.
Genome position (GRCh38, 1-based): chr10:54,236,876, C>T on the plus strand (G>A on the coding strand, the complement: PCDH15 is on the minus strand). VCF-style: chr10-54236876-C-T. GRCh37 (hg19) VCF-style: chr10-55996636-C-T.
Other names: c.947G>A, p.Arg316Gln (NM_001142763.2, NM_001142769.4, NM_001142771.2); c.932G>A, p.Arg311Gln (NM_001142764.2, NM_001142765.2, NM_001142766.2 and 7 more transcripts); c.821G>A, p.Arg274Gln (NM_001142767.2); c.866G>A, p.Arg289Gln (NM_001142768.2, NM_001142773.2, NM_001354404.2); short protein forms R274Q, R289Q, R311Q, R316Q.
Identifiers: ClinVar variation 4885595 (VCV004885595.3).

ClinVar aggregate classification (germline): Uncertain significance. Review status: criteria provided, multiple submitters, no conflicts (2 of 4 stars). 2 submissions from 2 submitters: Uncertain significance (2). Last evaluated 2026-02-26.

gnomAD v4.1: 26 of 1,613,430 alleles (0.0016%); highest among the groups gnomAD compares: East Asian, 0.027%; no homozygotes.

Submissions (2):

Dasa
Classification: Uncertain significance. Last evaluated: 2026-02-26. Review status: criteria provided, single submitter. Criteria: DASA Assertion Criteria. Collection method: clinical testing. Allele origin: germline.
Comment: NM_001384140.1(PCDH15):c.932G>A (p.Arg311Gln) is a missense variant that results in the substitution of arginine with glutamine. This variant is rare in population databases. Computational prediction algorithms are consistent with a benign effect. The currently available literature and clinical evidence are not sufficient to establish a definitive association between this variant and the reported condition. Therefore, this variant is classified as a variant of uncertain significance.

Blueprint Genetics
Classification: Uncertain significance. Last evaluated: 2023-12-29. Review status: criteria provided, single submitter. Criteria: ACMG Guidelines, 2015. Collection method: clinical testing. Allele origin: germline.